The following is an entry in ClinVar:

NM_017780.4(CHD7):c.3202-1G>A

Gene: CHD7 (chromodomain helicase DNA binding protein 7; plus strand). Cytogenetic location: 8q12.2.
Variant type: single nucleotide variant.
Coding change: c.3202-1G>A on transcript NM_017780.4 (MANE Select); the canonical splice acceptor site of the intron before coding-DNA position 3202, G replaced by A.
Molecular consequence: splice acceptor variant. On other transcripts: intron variant (1).
Genome position (GRCh38, 1-based): chr8:60,823,839, G>A. VCF-style: chr8-60823839-G-A. GRCh37 (hg19) VCF-style: chr8-61736398-G-A.
Other names: c.1717-38390G>A (NM_001316690.1).
Identifiers: ClinVar variation 2663355 (VCV002663355.1), dbSNP rs2487818203, ClinGen allele CA371311289.

ClinVar aggregate classification (germline): Pathogenic (1 of 4 stars; one submission).

Submission:

GeneDx
Classification: Pathogenic. Last evaluated: 2023-10-03. Review status: criteria provided, single submitter. Criteria: GeneDx Variant Classification Process June 2021. Collection method: clinical testing. Allele origin: germline. Affected: yes.
Comment: Canonical splice site variant predicted to result in an in-frame loss of the adjacent exon in a gene for which loss of function is a known mechanism of disease; Not observed at significant frequency in large population cohorts (gnomAD); This variant is associated with the following publications: (PMID: 22033296)